The following is an entry in ClinVar:

NM_052988.5(CDK10):c.822G>A (p.Gln274=)

Gene: CDK10 (cyclin dependent kinase 10; plus strand). Cytogenetic location: 16q24.3.
Variant type: single nucleotide variant.
Coding change: c.822G>A on transcript NM_052988.5 (MANE Select); coding-DNA position 822, G replaced by A.
Protein change: p.Gln274=; no amino-acid change (glutamine 274 retained).
Molecular consequence: synonymous variant. On other transcripts: non-coding transcript variant (2).
Genome position (GRCh38, 1-based): chr16:89,694,960, G>A. VCF-style: chr16-89694960-G-A. GRCh37 (hg19) VCF-style: chr16-89761368-G-A.
Other names: c.609G>A, p.Gln203= (NM_001098533.3, NM_001160367.2, NM_052987.4).
Identifiers: ClinVar variation 3257601 (VCV003257601.17).

ClinVar aggregate classification (germline): Benign (1 of 4 stars; one submission).

gnomAD v4.1: 1,052 of 1,613,272 alleles (0.065%); highest among the groups gnomAD compares: East Asian, 1.7%; 10 homozygotes.

Submission:

CeGaT Center for Human Genetics Tuebingen
Classification: Benign. Last evaluated: 2024-07-01. Review status: criteria provided, single submitter. Criteria: CeGaT Center For Human Genetics Tuebingen Variant Classification Criteria Version 2. Collection method: clinical testing. Allele origin: germline. Affected: yes. Observed: 1 variant allele.
Comment: CDK10: BP4, BS1, BS2